The following is an entry in ClinVar:

ClinVar aggregate classification (germline): Likely benign. Review status: criteria provided, multiple submitters, no conflicts (2 of 4 stars). 2 submissions from 2 submitters: Likely benign (2). Last evaluated 2025-02-16.

Conditions:
Leigh syndrome (NULS). Also called: Leigh's necrotizing encephalopathy; Leigh's disease; Leigh Syndrome (mtDNA deletion); Leigh Disease; Subacute necrotizing encephalopathy; Necrotizing encephalopathy infantile subacute of Leigh. Identifiers: Orphanet 506, MedGen C2931891, MONDO:0009723, OMIM 256000.

Submissions (2):

Laboratory of Genetics, Children's Clinical University Hospital Latvia
Classification: Likely benign. Last evaluated: 2025-02-16. Review status: criteria provided, single submitter. Criteria: ACMG Guidelines, 2015. Collection method: clinical testing. Allele origin: germline. Affected: yes.

Wong Mito Lab, Molecular and Human Genetics, Baylor College of Medicine
Classification: Likely benign for Leigh syndrome. Last evaluated: 2019-10-17. Review status: criteria provided, single submitter. Criteria: Modified ACMG Guidelines (Unpublished). Collection method: clinical testing. Allele origin: germline.
Comment: The NC_012920.1:m.8084A>T (YP_003024029.1:p.Thr167Ser) variant in MTCO2 gene is interpretated to be a Likely Benign variant based on the modified ACMG guidelines (unpublished). This variant meets the following evidence codes: BS4, BP4

NC_012920.1(MT-CO2):m.8084A>T

Gene: MT-CO2 (mitochondrially encoded cytochrome c oxidase II; plus strand).
Variant type: single nucleotide variant.
Genome position: chrM-8084-A-T.
Identifiers: ClinVar variation 692820 (VCV000692820.2), dbSNP rs1057518824, ClinGen allele CA414794969.